The following is an entry in ClinVar:

NM_139276.3(STAT3):c.1773G>T (p.Lys591Asn)

Gene: STAT3 (signal transducer and activator of transcription 3; minus strand). Cytogenetic location: 17q21.2.
Variant type: single nucleotide variant.
Coding change: c.1773G>T on transcript NM_139276.3 (MANE Select); coding-DNA position 1773, G replaced by T.
Protein change: p.Lys591Asn; replaces lysine 591 with asparagine.
Molecular consequence: missense variant.
Genome position (GRCh38, 1-based): chr17:42,323,119, C>A on the plus strand (G>T on the coding strand, the complement: STAT3 is on the minus strand). VCF-style: chr17-42323119-C-A. GRCh37 (hg19) VCF-style: chr17-40475137-C-A.
Other names: c.1788G>T, p.Lys596Asn (NM_001384986.1, NM_001384990.1); c.1752G>T, p.Lys584Asn (NM_001384987.1); c.1773G>T, p.Lys591Asn (NM_001384988.1, NM_001384993.1, NM_003150.4 and 9 more transcripts); c.1677G>T, p.Lys559Asn (NM_001384989.1); c.1746G>T, p.Lys582Asn (NM_001384991.1); c.1713G>T, p.Lys571Asn (NM_001384992.1); c.1689G>T, p.Lys563Asn (NM_001384984.1); c.1695G>T, p.Lys565Asn (NM_001384985.1); short protein forms K563N, K571N, K591N, K559N, K565N, K582N, K596N, K584N.
Identifiers: ClinVar variation 2029672 (VCV002029672.4), dbSNP rs2144694091, ClinGen allele CA399583168.

ClinVar aggregate classification (germline): Uncertain significance (1 of 4 stars; one submission).

Conditions:
Hyper-IgE recurrent infection syndrome 1, autosomal dominant. Also called: JOB SYNDROME; HYPER-IgE SYNDROME 1, AUTOSOMAL DOMINANT, WITH RECURRENT INFECTIONS; Job's Syndrome; STAT3 Hyper IgE Syndrome; Hyper-IgE recurrent infection syndrome 1. Identifiers: Orphanet 2314, MedGen C2936739, MONDO:0007818, OMIM 147060.
STAT3 gain of function. Identifiers: MedGen C4288261.

Submission:

Labcorp Genetics (formerly Invitae), Labcorp
Classification: Uncertain significance for STAT3 gain of function; Hyper-IgE recurrent infection syndrome 1, autosomal dominant. Last evaluated: 2022-09-09. Review status: criteria provided, single submitter. Criteria: Invitae Variant Classification Sherloc (09022015). Collection method: clinical testing. Allele origin: germline.
Comment: In summary, the available evidence is currently insufficient to determine the role of this variant in disease. Therefore, it has been classified as a Variant of Uncertain Significance. This variant disrupts the p.Lys591 amino acid residue in STAT3. Other variant(s) that disrupt this residue have been observed in individuals with STAT3-related conditions (PMID: 20159255, 22126402), which suggests that this may be a clinically significant amino acid residue. Advanced modeling of protein sequence and biophysical properties (such as structural, functional, and spatial information, amino acid conservation, physicochemical variation, residue mobility, and thermodynamic stability) performed at Invitae indicates that this missense variant is expected to disrupt STAT3 protein function. This variant has not been reported in the literature in individuals affected with STAT3-related conditions. This variant is not present in population databases (gnomAD no frequency). This sequence change replaces lysine, which is basic and polar, with asparagine, which is neutral and polar, at codon 591 of the STAT3 protein (p.Lys591Asn).

Literature cited by the submitters: PubMed 20159255; PubMed 22126402.